The following is an entry in ClinVar:

ClinVar aggregate classification (germline): Uncertain significance (1 of 4 stars; one submission).

Submission:

GeneDx
Classification: Uncertain significance. Last evaluated: 2023-03-22. Review status: criteria provided, single submitter. Criteria: GeneDx Variant Classification Process June 2021. Collection method: clinical testing. Allele origin: germline. Affected: yes.
Comment: Not observed at significant frequency in large population cohorts (gnomAD); Frameshift variant predicted to result in protein truncation or nonsense mediated decay in a gene or region of a gene for which loss of function is not a well-established mechanism of disease; Has not been previously published as pathogenic or benign to our knowledge

NM_001080421.3(UNC13A):c.2338del (p.Asp780fs)

Gene: UNC13A (unc-13 homolog A; minus strand). Cytogenetic location: 19p13.11.
Variant type: Deletion.
Coding change: c.2338del on transcript NM_001080421.3 (MANE Select); coding-DNA position 2338, one base deleted (G; older notation c.2338delG).
Protein change: p.Asp780fs; shifts the reading frame from aspartic acid 780.
Molecular consequence: frameshift variant.
Genome position (GRCh38, 1-based): chr19:17,645,692, C deleted on the plus strand (G on the coding strand, the reverse complement: UNC13A is on the minus strand); the first of 2 consecutive C bases (chr19:17,645,692-17,645,693); deleting either gives the same sequence. VCF-style (leftmost placement, unchanged base first): chr19-17645691-TC-T. GRCh37 (hg19) VCF-style: chr19-17756500-TC-T.
Other names: c.2332del, p.Asp778fs (NM_001387021.1, NM_001387022.1, NM_001387023.1); short protein forms D778fs, D780fs.
Identifiers: ClinVar variation 2581785 (VCV002581785.1), dbSNP rs1330892660, ClinGen allele CA783837701.